The following is an entry in ClinVar:

ClinVar aggregate classification (germline): Uncertain significance (1 of 4 stars; one submission).

Conditions:
Jeune thoracic dystrophy. Also called: Short-rib thoracic dysplasia; Jeune syndrome; Infantile thoracic dystrophy; Thoracic pelvic phalangeal dystrophy; Jeune's syndrome; Chondroectodermal dysplasia-like syndrome. Identifiers: Orphanet 474, MedGen C0265275, MONDO:0018770.

Allele frequency attached by ClinVar (database versions not stated): gnomAD exomes 0.00001; ExAC 0.00002.
gnomAD v4.1: 9 of 1,545,200 alleles (0.00058%); highest among the groups gnomAD compares: Non-Finnish European, 0.0007%; no homozygotes.

Submission:

Labcorp Genetics (formerly Invitae), Labcorp
Classification: Uncertain significance for Jeune thoracic dystrophy. Last evaluated: 2022-11-22. Review status: criteria provided, single submitter. Criteria: Invitae Variant Classification Sherloc (09022015). Collection method: clinical testing. Allele origin: germline.
Comment: This sequence change replaces tyrosine, which is neutral and polar, with phenylalanine, which is neutral and non-polar, at codon 1952 of the DYNC2H1 protein (p.Tyr1952Phe). In summary, the available evidence is currently insufficient to determine the role of this variant in disease. Therefore, it has been classified as a Variant of Uncertain Significance. Advanced modeling of protein sequence and biophysical properties (such as structural, functional, and spatial information, amino acid conservation, physicochemical variation, residue mobility, and thermodynamic stability) performed at Invitae indicates that this missense variant is not expected to disrupt DYNC2H1 protein function. ClinVar contains an entry for this variant (Variation ID: 1383374). This variant has not been reported in the literature in individuals affected with DYNC2H1-related conditions. This variant is present in population databases (rs756750628, gnomAD 0.002%).

NM_001377.3(DYNC2H1):c.5855A>T (p.Tyr1952Phe)

Gene: DYNC2H1 (dynein cytoplasmic 2 heavy chain 1; plus strand). Cytogenetic location: 11q22.3.
Variant type: single nucleotide variant.
Coding change: c.5855A>T on transcript NM_001377.3 (MANE Select); coding-DNA position 5855, A replaced by T.
Protein change: p.Tyr1952Phe; replaces tyrosine 1952 with phenylalanine.
Molecular consequence: missense variant.
Genome position (GRCh38, 1-based): chr11:103,176,415, A>T. VCF-style: chr11-103176415-A-T. GRCh37 (hg19) VCF-style: chr11-103047144-A-T.
Other names: c.5855A>T, p.Tyr1952Phe (NM_001080463.2); short protein forms Y1952F.
Identifiers: ClinVar variation 1383374 (VCV001383374.6), dbSNP rs756750628, ClinGen allele CA6253842.